The following is an entry in ClinVar:

ClinVar aggregate classification (germline): Likely pathogenic (1 of 4 stars; one submission).

Submission:

GeneDx
Classification: Likely pathogenic. Last evaluated: 2025-03-04. Review status: criteria provided, single submitter. Criteria: GeneDx Variant Classification Process June 2021. Collection method: clinical testing. Allele origin: germline. Affected: yes.
Comment: Observed in the heterozygous state without a second COL7A1 variant in a patient with dystrophic epidermolysis bullosa reported in the published literature (PMID: 16971478); Located in the highly conserved Gly-X-Y repeat of the collagenous domain; Glycine substitution variants in this region of the COLVII protein destabilize the collagen triple helix resulting in skin fragility due to poor anchoring of the basement membrane to the underlying dermis (PMID: 20301481); Not observed at significant frequency in large population cohorts (gnomAD); In silico analysis supports that this missense variant has a deleterious effect on protein structure/function; This variant is associated with the following publications: (PMID: 20301481, 16971478)

NM_000094.4(COL7A1):c.5516G>A (p.Gly1839Asp)

Gene: COL7A1 (collagen type VII alpha 1 chain; minus strand). Cytogenetic location: 3p21.31.
Variant type: single nucleotide variant.
Coding change: c.5516G>A on transcript NM_000094.4 (MANE Select); coding-DNA position 5516, G replaced by A.
Protein change: p.Gly1839Asp; replaces glycine 1839 with aspartic acid.
Molecular consequence: missense variant.
Genome position (GRCh38, 1-based): chr3:48,578,337, C>T on the plus strand (G>A on the coding strand, the complement: COL7A1 is on the minus strand). VCF-style: chr3-48578337-C-T. GRCh37 (hg19) VCF-style: chr3-48615770-C-T.
Other names: short protein forms G1839D.
Identifiers: ClinVar variation 4083366 (VCV004083366.1).